The following is an entry in ClinVar:

NM_052874.5(STX1B):c.786+5G>A

Gene: STX1B (syntaxin 1B; minus strand). Cytogenetic location: 16p11.2.
Variant type: single nucleotide variant.
Coding change: c.786+5G>A on transcript NM_052874.5 (MANE Select); 5 bases into the intron after coding-DNA position 786, G replaced by A.
Molecular consequence: intron variant.
Genome position (GRCh38, 1-based): chr16:30,993,125, C>T on the plus strand (G>A on the coding strand, the complement: STX1B is on the minus strand). VCF-style: chr16-30993125-C-T. GRCh37 (hg19) VCF-style: chr16-31004446-C-T.
Identifiers: ClinVar variation 1044888 (VCV001044888.6), dbSNP rs2056572281, ClinGen allele CA395646520.

ClinVar aggregate classification (germline): Uncertain significance (1 of 4 stars; one submission).

Conditions:
Generalized epilepsy with febrile seizures plus, type 9 (GEFSP9). Also called: GEFS+, TYPE 9. Identifiers: Orphanet 36387, MedGen C4015395, MONDO:0014517, OMIM 616172.

Allele frequency attached by ClinVar (database versions not stated): gnomAD exomes below 0.00001.
gnomAD v4.1: 1 of 1,613,994 alleles (0.000062%); highest among the groups gnomAD compares: Non-Finnish European, 0.000085%; no homozygotes.

Submission:

Labcorp Genetics (formerly Invitae), Labcorp
Classification: Uncertain significance for Generalized epilepsy with febrile seizures plus, type 9. Last evaluated: 2020-09-14. Review status: criteria provided, single submitter. Criteria: Invitae Variant Classification Sherloc (09022015). Collection method: clinical testing. Allele origin: germline.
Comment: In summary, the available evidence is currently insufficient to determine the role of this variant in disease. Therefore, it has been classified as a Variant of Uncertain Significance. Nucleotide substitutions within the consensus splice site are a relatively common cause of aberrant splicing (PMID: 17576681, 9536098). Algorithms developed to predict the effect of sequence changes on RNA splicing suggest that this variant may disrupt the consensus splice site, but this prediction has not been confirmed by published transcriptional studies. This variant has not been reported in the literature in individuals with STX1B-related conditions. This variant is not present in population databases (ExAC no frequency). This sequence change falls in intron 9 of the STX1B gene. It does not directly change the encoded amino acid sequence of the STX1B protein, but it affects a nucleotide within the consensus splice site of the intron.

Literature cited by the submitters: PubMed 17576681; PubMed 9536098.